The following is an entry in ClinVar:

NM_177924.5(ASAH1):c.1117T>G (p.Leu373Val)

Gene: ASAH1 (N-acylsphingosine amidohydrolase 1; minus strand). Cytogenetic location: 8p22.
Variant type: single nucleotide variant.
Coding change: c.1117T>G on transcript NM_177924.5 (MANE Select); coding-DNA position 1117, T replaced by G.
Protein change: p.Leu373Val; replaces leucine 373 with valine.
Molecular consequence: missense variant.
Genome position (GRCh38, 1-based): chr8:18,057,605, A>C on the plus strand (T>G on the coding strand, the complement: ASAH1 is on the minus strand). VCF-style: chr8-18057605-A-C. GRCh37 (hg19) VCF-style: chr8-17915114-A-C.
Other names: c.1099T>G, p.Leu367Val (NM_001127505.3); c.922T>G, p.Leu308Val (NM_001363743.2); c.1165T>G, p.Leu389Val (NM_004315.6); short protein forms L373V, L389V, L367V, L308V.
Identifiers: ClinVar variation 2135384 (VCV002135384.4), dbSNP rs1462289091, ClinGen allele CA370442710.

ClinVar aggregate classification (germline): Uncertain significance (1 of 4 stars; one submission).

gnomAD v4.1: 2 of 1,603,092 alleles (0.00012%); highest among the groups gnomAD compares: Non-Finnish European, 0.00017%; no homozygotes.

Submission:

Labcorp Genetics (formerly Invitae), Labcorp
Classification: Uncertain significance. Last evaluated: 2022-05-09. Review status: criteria provided, single submitter. Criteria: Invitae Variant Classification Sherloc (09022015). Collection method: clinical testing. Allele origin: germline.
Comment: This sequence change replaces leucine, which is neutral and non-polar, with valine, which is neutral and non-polar, at codon 373 of the ASAH1 protein (p.Leu373Val). This variant is not present in population databases (gnomAD no frequency). This variant has not been reported in the literature in individuals affected with ASAH1-related conditions. Algorithms developed to predict the effect of missense changes on protein structure and function are either unavailable or do not agree on the potential impact of this missense change (SIFT: "Deleterious"; PolyPhen-2: "Possibly Damaging"; Align-GVGD: "Class C15"). In summary, the available evidence is currently insufficient to determine the role of this variant in disease. Therefore, it has been classified as a Variant of Uncertain Significance.